The following is an entry in ClinVar:

ClinVar aggregate classification (germline): Uncertain significance (1 of 4 stars; one submission).

Submission:

Ambry Genetics
Classification: Uncertain significance. Last evaluated: 2026-08-05. Review status: criteria provided, single submitter. Criteria: Ambry Variant Classification Scheme 2023. Collection method: clinical testing. Allele origin: germline.
Comment: The p.S524P variant (also known as c.1570T>C), located in coding exon 8 of the ATRIP gene, results from a T to C substitution at nucleotide position 1570. The serine at codon 524 is replaced by proline, an amino acid with similar properties. This amino acid position is conserved. In addition, this alteration is predicted to be tolerated by in silico analysis. Based on the available evidence, the clinical significance of this variant remains unclear.

NM_130384.3(ATRIP):c.1570T>C (p.Ser524Pro)

Genes: ATRIP (ATR interacting protein; plus strand), ATRIP-TREX1 (ATRIP-TREX1 readthrough; plus strand). Cytogenetic location: 3p21.31.
Variant type: single nucleotide variant.
Coding change: c.1570T>C on transcript NM_130384.3 (MANE Select); coding-DNA position 1570, T replaced by C.
Protein change: p.Ser524Pro; replaces serine 524 with proline.
Molecular consequence: missense variant. On other transcripts: non-coding transcript variant (1).
Genome position (GRCh38, 1-based): chr3:48,460,624, T>C. VCF-style: chr3-48460624-T-C. GRCh37 (hg19) VCF-style: chr3-48502023-T-C.
Other names: c.1189T>C, p.Ser397Pro (NM_001271022.2); c.1291T>C, p.Ser431Pro (NM_001271023.2); c.1570T>C, p.Ser524Pro (NM_032166.4); short protein forms S397P, S524P, S431P.
Identifiers: ClinVar variation 5032447 (VCV005032447.1).